The following is an entry in ClinVar:

ClinVar aggregate classification (germline): Uncertain significance. Review status: criteria provided, multiple submitters, no conflicts (2 of 4 stars). 2 submissions from 2 submitters: Uncertain significance (2). Last evaluated 2021-09-17.

Conditions:
Retinitis pigmentosa (RP). Identifiers: Orphanet 791, MedGen C0035334, MeSH D012174, MONDO:0019200, OMIM 268000. Inheritance: Autosomal dominant, autosomal recessive and X linked inheritance.
Neuronal ceroid lipofuscinosis. Also called: Neuronal Ceroid Lipofuscinoses. Identifiers: Orphanet 216, Orphanet 79263, MedGen C0027877, MONDO:0016295. Disease mechanism: loss of function.

Allele frequency attached by ClinVar (database versions not stated): ExAC 0.00001; gnomAD 0.00001; gnomAD exomes 0.00001; TOPMed 0.00001.
gnomAD v4.1: 10 of 1,613,806 alleles (0.00062%); highest among the groups gnomAD compares: Admixed American, 0.0033%; no homozygotes.

Submissions (2):

Labcorp Genetics (formerly Invitae), Labcorp
Classification: Uncertain significance for Neuronal ceroid lipofuscinosis. Last evaluated: 2021-09-17. Review status: criteria provided, single submitter. Criteria: Invitae Variant Classification Sherloc (09022015). Collection method: clinical testing. Allele origin: germline.
Comment: This sequence change replaces serine with leucine at codon 423 of the CLN3 protein (p.Ser423Leu). The serine residue is moderately conserved and there is a large physicochemical difference between serine and leucine. This variant is present in population databases (rs386833706, ExAC 0.009%). This variant has not been reported in the literature in individuals with CLN3-related conditions. Algorithms developed to predict the effect of missense changes on protein structure and function are either unavailable or do not agree on the potential impact of this missense change (SIFT: "Deleterious"; PolyPhen-2: "Benign"; Align-GVGD: "Class C0"). In summary, the available evidence is currently insufficient to determine the role of this variant in disease. Therefore, it has been classified as a Variant of Uncertain Significance.

DBGen Ocular Genomics
Classification: Uncertain significance for Retinitis pigmentosa. Last evaluated: 2021-06-04. Review status: criteria provided, single submitter. Criteria: ACMG Guidelines, 2015. Collection method: clinical testing. Allele origin: germline. Affected: yes. Observed: 1 variant allele.

NM_001042432.2(CLN3):c.1268C>T (p.Ser423Leu)

Gene: CLN3 (CLN3 lysosomal/endosomal transmembrane protein, battenin; minus strand). Cytogenetic location: 16p12.1.
Variant type: single nucleotide variant.
Coding change: c.1268C>T on transcript NM_001042432.2 (MANE Select); coding-DNA position 1268, C replaced by T.
Protein change: p.Ser423Leu; replaces serine 423 with leucine.
Molecular consequence: missense variant.
Genome position (GRCh38, 1-based): chr16:28,477,565, G>A on the plus strand (C>T on the coding strand, the complement: CLN3 is on the minus strand). VCF-style: chr16-28477565-G-A. GRCh37 (hg19) VCF-style: chr16-28488886-G-A.
Other names: c.1268C>T, p.Ser423Leu (NM_000086.2); c.1196C>T, p.Ser399Leu (NM_001286104.2); c.968C>T, p.Ser323Leu (NM_001286105.2); c.1034C>T, p.Ser345Leu (NM_001286109.2); c.1106C>T, p.Ser369Leu (NM_001286110.2); short protein forms S323L, S345L, S369L, S399L, S423L.
Identifiers: ClinVar variation 1213979 (VCV001213979.7), dbSNP rs386833706, ClinGen allele CA7980632.
Genomic context (GRCh38, chr16:28,477,565, plus strand): 5'-GATCCCGAGTATCAGGAGAGCTGGCAGAGGAAGTCATGCAGAGGCAAAGCCAGGAGCCCC[G>A]ACAGGGAGATCCCCAGTGTGTCAGAGATGCAGGTGGCCGCCATTGCAAACTCCCGGTGCT-3'
Protein context (NP_001035897.1, residues 413-433): CISDTLGISL[Ser423Leu]GLLALPLHDF